The following is an entry in ClinVar:

ClinVar aggregate classification (germline): Uncertain significance (1 of 4 stars; one submission).

Conditions:
Acromesomelic dysplasia 3 (AMD3). Also called: CHONDRODYSPLASIA, ACROMESOMELIC, WITH OR WITHOUT GENITAL ANOMALIES; Acromesomelic dysplasia, Demirhan type. Identifiers: MedGen C4225404, MONDO:0012274, OMIM 609441.
Type A2 brachydactyly (BDA2). Also called: Brachymesophalangy type 2; BRACHYMESOPHALANGY II; MOHR-WRIEDT TYPE BRACHYDACTYLY. Identifiers: Orphanet 93396, MedGen C1832702, MONDO:0007216, OMIM 112600, HP:0009372.

gnomAD v4.1: 1 of 1,613,966 alleles (0.000062%); no homozygotes.

Submission:

Labcorp Genetics (formerly Invitae), Labcorp
Classification: Uncertain significance for Type A2 brachydactyly; Acromesomelic dysplasia 3. Last evaluated: 2021-03-28. Review status: criteria provided, single submitter. Criteria: Invitae Variant Classification Sherloc (09022015). Collection method: clinical testing. Allele origin: germline.
Comment: Advanced modeling of protein sequence and biophysical properties (such as structural, functional, and spatial information, amino acid conservation, physicochemical variation, residue mobility, and thermodynamic stability) performed at Invitae indicates that this missense variant is expected to disrupt BMPR1B protein function. In summary, the available evidence is currently insufficient to determine the role of this variant in disease. Therefore, it has been classified as a Variant of Uncertain Significance. This variant has not been reported in the literature in individuals with BMPR1B-related conditions. This variant is not present in population databases (ExAC no frequency). This sequence change replaces glutamic acid with valine at codon 246 of the BMPR1B protein (p.Glu246Val). The glutamic acid residue is highly conserved and there is a moderate physicochemical difference between glutamic acid and valine.

NM_001203.3(BMPR1B):c.737A>T (p.Glu246Val)

Gene: BMPR1B (bone morphogenetic protein receptor type 1B; plus strand). Cytogenetic location: 4q22.3.
Variant type: single nucleotide variant.
Coding change: c.737A>T on transcript NM_001203.3 (MANE Select); coding-DNA position 737, A replaced by T.
Protein change: p.Glu246Val; replaces glutamic acid 246 with valine.
Molecular consequence: missense variant.
Genome position (GRCh38, 1-based): chr4:95,130,013, A>T. VCF-style: chr4-95130013-A-T. GRCh37 (hg19) VCF-style: chr4-96051164-A-T.
Other names: c.737A>T, p.Glu246Val (NM_001256792.2, NM_001256794.1); c.827A>T, p.Glu276Val (NM_001256793.2); short protein forms E246V, E276V.
Identifiers: ClinVar variation 1513747 (VCV001513747.8), dbSNP rs779737736, ClinGen allele CA357681567.